The following is an entry in ClinVar:

NM_001370785.2(LRRC7):c.4519G>A (p.Gly1507Arg)

Gene: LRRC7 (leucine rich repeat containing 7; plus strand). Cytogenetic location: 1p31.1.
Variant type: single nucleotide variant.
Coding change: c.4519G>A on transcript NM_001370785.2 (MANE Select); coding-DNA position 4519, G replaced by A.
Protein change: p.Gly1507Arg; replaces glycine 1507 with arginine.
Molecular consequence: missense variant.
Genome position (GRCh38, 1-based): chr1:70,089,793, G>A. VCF-style: chr1-70089793-G-A. GRCh37 (hg19) VCF-style: chr1-70555476-G-A.
Other names: NM_020794.2:c.4405G>A; c.4279G>A, p.Gly1427Arg (NM_001330635.3, NM_001366841.1); c.4381G>A, p.Gly1461Arg (NM_001350216.3); c.4378G>A, p.Gly1460Arg (NM_001366838.3); c.4099G>A, p.Gly1367Arg (NM_001366839.3); short protein forms G1367R, G1427R, G1460R, G1461R, G1507R.
Identifiers: ClinVar variation 3342391 (VCV003342391.1).

ClinVar aggregate classification (germline): Uncertain significance (1 of 4 stars; one submission).

gnomAD v4.1: 1 of 1,608,244 alleles (0.000062%); highest among the groups gnomAD compares: Non-Finnish European, 0.000085%; no homozygotes.

Submission:

GeneDx
Classification: Uncertain significance. Last evaluated: 2022-02-08. Review status: criteria provided, single submitter. Criteria: GeneDx Variant Classification Process June 2021. Collection method: clinical testing. Allele origin: germline. Affected: yes.
Comment: In silico analysis supports that this missense variant has a deleterious effect on protein structure/function; Has not been previously published as pathogenic or benign to our knowledge; Variants in candidate genes are classified as variants of uncertain significance in accordance with ACMG guidelines (Richards et al., 2015)